The following is an entry in ClinVar:

ClinVar aggregate classification (germline): Pathogenic (1 of 4 stars; one submission).

Conditions:
Autosomal recessive osteopetrosis 1. Also called: ALBERS-SCHONBERG DISEASE, AUTOSOMAL RECESSIVE; TCIRG1-Related Autosomal Recessive Osteopetrosis; TCIRG1-Related Osteopetrosis. Identifiers: Orphanet 667, MedGen C1850127, MONDO:0009815, OMIM 259700.

gnomAD v4.1: 6 of 1,546,840 alleles (0.00039%); highest among the groups gnomAD compares: Non-Finnish European, 0.00052%; no homozygotes.

Submission:

Myriad Genetics, Inc.
Classification: Pathogenic for Autosomal recessive osteopetrosis 1. Last evaluated: 2026-01-12. Review status: criteria provided, single submitter. Criteria: Myriad Autosomal Dominant, Autosomal Recessive and X-Linked Classification Criteria (2023). Collection method: clinical testing. Allele origin: unknown.
Comment: NM_006019.3(TCIRG1):c.807+5G>A is an intronic variant classified as pathogenic in the context of autosomal recessive osteopetrosis type 1. c.807+5G>A has been observed in cases with relevant disease (PMID: 19172990). Relevant functional assessments of this variant are available in the literature (PMID: 19172990). c.807+5G>A has not been observed in referenced population frequency databases. In summary, NM_006019.3(TCIRG1):c.807+5G>A is an intronic variant in a gene where loss of function is a known mechanism of disease, is predicted to disrupt protein function, and has been observed more frequently in cases with the relevant disease than in healthy populations. Please note: this variant was assessed in the context of healthy population screening.

Literature cited by the submitters: PubMed 19172990.

NM_006019.4(TCIRG1):c.807+5G>A

Gene: TCIRG1 (T cell immune regulator 1, ATPase H+ transporting V0 subunit a3; plus strand). Cytogenetic location: 11q13.2.
Variant type: single nucleotide variant.
Coding change: c.807+5G>A on transcript NM_006019.4 (MANE Select); 5 bases into the intron after coding-DNA position 807, G replaced by A.
Molecular consequence: intron variant.
Genome position (GRCh38, 1-based): chr11:68,043,912, G>A. VCF-style: chr11-68043912-G-A. GRCh37 (hg19) VCF-style: chr11-67811379-G-A.
Other names: c.807+5G>A (NM_001440552.1, NM_001440557.1, NM_001440559.1 and 4 more transcripts); c.503+881G>A (NM_001440569.1); c.594+5G>A (NM_001440561.1, NM_001440566.1, NM_001440562.1 and 1 more transcripts); c.765+5G>A (NM_001440555.1, NM_001440556.1, NM_001440563.1); c.-88+5G>A (NM_001351059.2); c.507+5G>A (NM_001440565.1); c.552+5G>A (NM_001440564.1, NM_001440568.1); c.159+5G>A (NM_006053.4).
Identifiers: ClinVar variation 5004908 (VCV005004908.1).
Genomic context (GRCh38, chr11:68,043,912, plus strand): 5'-AGGCCCGCCTCGGGGCCCTGCAGCAGCTGCAACAGCAGAGCCAGGAGCTGCAGGAGGTGG[G>A]TGCCCCCGGCCTTCCGGAGGCGGGTGTAGGAGGTGGGTGCCCCCGGCCTCCCGGAGGTGG-3'